The following is an entry in ClinVar:

NM_005097.4(LGI1):c.1597C>T (p.Arg533Cys)

Gene: LGI1 (leucine rich glioma inactivated 1; plus strand). Cytogenetic location: 10q23.33.
Variant type: single nucleotide variant.
Coding change: c.1597C>T on transcript NM_005097.4 (MANE Select); coding-DNA position 1597, C replaced by T.
Protein change: p.Arg533Cys; replaces arginine 533 with cysteine.
Molecular consequence: missense variant. On other transcripts: non-coding transcript variant (1), intron variant (1).
Genome position (GRCh38, 1-based): chr10:93,797,726, C>T. VCF-style: chr10-93797726-C-T. GRCh37 (hg19) VCF-style: chr10-95557483-C-T.
Other names: c.1453C>T, p.Arg485Cys (NM_001308276.2); c.839-23C>T (NM_001308275.2); short protein forms R485C, R533C.
Identifiers: ClinVar variation 658052 (VCV000658052.11), dbSNP rs771178397, ClinGen allele CA5611282.
Genomic context (GRCh38, chr10:93,797,726, plus strand): 5'-AAATTTCAGGAATTAAATGTTCAGGCACCAAGATCATTCACACATGTGTCCATTAATAAG[C>T]GTAATTTTCTTTTTGCTTCCAGTTTTAAGGGAAATACACAGATTTACAAACATGTCATAG-3'
Protein context (NP_005088.1, residues 523-543): RSFTHVSINK[Arg533Cys]NFLFASSFKG

ClinVar aggregate classification (germline): Uncertain significance. Review status: criteria provided, multiple submitters, no conflicts (2 of 4 stars). 2 submissions from 2 submitters: Uncertain significance (2). Last evaluated 2024-04-10.

Conditions:
Autosomal dominant epilepsy with auditory features. Identifiers: Orphanet 101046, MedGen C1838062, MONDO:0010898.

Allele frequency attached by ClinVar (database versions not stated): gnomAD exomes below 0.00001 and 0.00001; ExAC 0.00001.
gnomAD v4.1: 4 of 1,612,300 alleles (0.00025%); highest among the groups gnomAD compares: Middle Eastern, 0.033%; no homozygotes.

Submissions (2):

Blueprint Genetics
Classification: Uncertain significance. Last evaluated: 2024-04-10. Review status: criteria provided, single submitter. Criteria: ACMG Guidelines, 2015. Collection method: clinical testing. Allele origin: germline.

Labcorp Genetics (formerly Invitae), Labcorp
Classification: Uncertain significance for Autosomal dominant epilepsy with auditory features. Last evaluated: 2024-02-24. Review status: criteria provided, single submitter. Criteria: Invitae Variant Classification Sherloc (09022015). Collection method: clinical testing. Allele origin: germline.
Comment: This sequence change replaces arginine, which is basic and polar, with cysteine, which is neutral and slightly polar, at codon 533 of the LGI1 protein (p.Arg533Cys). This variant is present in population databases (rs771178397, gnomAD 0.0009%). This variant has not been reported in the literature in individuals affected with LGI1-related conditions. ClinVar contains an entry for this variant (Variation ID: 658052). Advanced modeling of protein sequence and biophysical properties (such as structural, functional, and spatial information, amino acid conservation, physicochemical variation, residue mobility, and thermodynamic stability) performed at Invitae indicates that this missense variant is not expected to disrupt LGI1 protein function with a negative predictive value of 80%. In summary, the available evidence is currently insufficient to determine the role of this variant in disease. Therefore, it has been classified as a Variant of Uncertain Significance.